The following is an entry in ClinVar:

NM_001323289.2(CDKL5):c.1294A>C (p.Lys432Gln)

Gene: CDKL5 (cyclin dependent kinase like 5; plus strand). Cytogenetic location: Xp22.13.
Variant type: single nucleotide variant.
Coding change: c.1294A>C on transcript NM_001323289.2 (MANE Select); coding-DNA position 1294, A replaced by C.
Protein change: p.Lys432Gln; replaces lysine 432 with glutamine.
Molecular consequence: missense variant.
Genome position (GRCh38, 1-based): chrX:18,604,218, A>C. VCF-style: chrX-18604218-A-C. GRCh37 (hg19) VCF-style: chrX-18622338-A-C.
Other names: c.1294A>C, p.Lys432Gln (NM_001037343.2, NM_003159.3); short protein forms K432Q.
Identifiers: ClinVar variation 3348853 (VCV003348853.1).

ClinVar aggregate classification (germline): Uncertain significance (0 of 4 stars; one submission).

Conditions:
CDKL5-related disorder.

Submission:

PreventionGenetics, part of Exact Sciences
Classification: Uncertain significance for CDKL5-related condition. Last evaluated: 2024-05-26. Review status: no assertion criteria provided. Collection method: clinical testing. Allele origin: germline.
Comment: The CDKL5 c.1294A>C variant is predicted to result in the amino acid substitution p.Lys432Gln. To our knowledge, this variant has not been reported in the literature or in a large population database, indicating this variant is rare. At this time, the clinical significance of this variant is uncertain due to the absence of conclusive functional and genetic evidence.